The following is an entry in ClinVar:

ClinVar aggregate classification (germline): Uncertain significance (1 of 4 stars; one submission).

Conditions:
Rotor syndrome (HBLRR). Also called: HYPERBILIRUBINEMIA, ROTOR TYPE, DIGENIC; HYPERBILIRUBINEMIA, ROTOR TYPE. Identifiers: Orphanet 3111, MedGen C0220991, MONDO:0009379, OMIM 237450.

Allele frequency attached by ClinVar (database versions not stated): ESP Exome Variant Server 0.00008; gnomAD 0.00009 and 0.00010; gnomAD exomes 0.00009 and 0.00022; TOPMed 0.00013; ExAC 0.00025.

Submission:

Illumina Laboratory Services, Illumina
Classification: Uncertain significance for Rotor syndrome. Last evaluated: 2017-04-27. Review status: criteria provided, single submitter. Criteria: ICSL Variant Classification Criteria 13 December 2019. Collection method: clinical testing. Allele origin: germline.
Comment: This variant was observed as part of a predisposition screen in an ostensibly healthy population. A literature search was performed for the gene, cDNA change, and amino acid change (where applicable). Publications were found based on this search. However, the evidence from the literature, in combination with allele frequency data from public databases where available, was not sufficient to rule this variant in or out of causing disease. Therefore, this variant is classified as a variant of unknown significance.

Literature cited by the submitters: PubMed 22147369.

NM_006446.5(SLCO1B1):c.2032C>T (p.His678Tyr)

Gene: SLCO1B1 (solute carrier organic anion transporter family member 1B1; plus strand). Cytogenetic location: 12p12.1.
Variant type: single nucleotide variant.
Coding change: c.2032C>T on transcript NM_006446.5 (MANE Select); coding-DNA position 2032, C replaced by T.
Protein change: p.His678Tyr; replaces histidine 678 with tyrosine.
Molecular consequence: missense variant.
Genome position (GRCh38, 1-based): chr12:21,239,145, C>T. VCF-style: chr12-21239145-C-T. GRCh37 (hg19) VCF-style: chr12-21392079-C-T.
Other names: short protein forms H678Y.
Identifiers: ClinVar variation 880703 (VCV000880703.4), dbSNP rs200995543, ClinGen allele CA6477244.